The following is an entry in ClinVar:

ClinVar aggregate classification (germline): Uncertain significance. Review status: criteria provided, multiple submitters, no conflicts (2 of 4 stars). 2 submissions from 2 submitters: Uncertain significance (2). Last evaluated 2026-09-23.

Conditions:
Cardiovascular phenotype. Identifiers: MedGen CN230736.

Allele frequency attached by ClinVar (database versions not stated): gnomAD exomes below 0.00001; TOPMed below 0.00001; ExAC 0.00001; gnomAD 0.00001.
gnomAD v4.1: 2 of 1,613,942 alleles (0.00012%); highest among the groups gnomAD compares: African/African-American, 0.0013%; no homozygotes.

Submissions (2):

GeneDx
Classification: Uncertain significance. Last evaluated: 2026-09-23. Review status: criteria provided, single submitter. Criteria: GeneDx Variant Classification Process June 2021. Collection method: clinical testing. Allele origin: germline.
Comment: In silico analysis supports that this missense variant has a deleterious effect on protein structure/function; Not located in the triple helical region, where the majority of pathogenic missense variants occur (HGMD); Not observed at significant frequency in large population cohorts (gnomAD); This variant is associated with the following publications: (PMID: 39025364, 36964972)

Ambry Genetics
Classification: Uncertain significance for Cardiovascular phenotype. Last evaluated: 2024-08-06. Review status: criteria provided, single submitter. Criteria: Ambry Variant Classification Scheme 2023. Collection method: clinical testing. Allele origin: germline.
Comment: The p.T1202N variant (also known as c.3605C>A), located in coding exon 50 of the COL1A2 gene, results from a C to A substitution at nucleotide position 3605. The threonine at codon 1202 is replaced by asparagine, an amino acid with similar properties. This amino acid position is highly conserved in available vertebrate species. In addition, the in silico prediction for this alteration is inconclusive. Based on the available evidence, the clinical significance of this variant remains unclear.

NM_000089.4(COL1A2):c.3605C>A (p.Thr1202Asn)

Gene: COL1A2 (collagen type I alpha 2 chain; plus strand). Cytogenetic location: 7q21.3.
Variant type: single nucleotide variant.
Coding change: c.3605C>A on transcript NM_000089.4 (MANE Select); coding-DNA position 3605, C replaced by A.
Protein change: p.Thr1202Asn; replaces threonine 1202 with asparagine.
Molecular consequence: missense variant.
Genome position (GRCh38, 1-based): chr7:94,428,371, C>A. VCF-style: chr7-94428371-C-A. GRCh37 (hg19) VCF-style: chr7-94057683-C-A.
Other names: short protein forms T1202N.
Identifiers: ClinVar variation 1302533 (VCV001302533.4), dbSNP rs770720103, ClinGen allele CA4347797.
Genomic context (GRCh38, chr7:94,428,371, plus strand): 5'-CTAACCAAGGATGCACTATGGATGCTATCAAAGTATACTGTGATTTCTCTACTGGCGAAA[C>A]CTGTATCCGGGCCCAACCTGAAAACATCCCAGCCAAGAACTGGTATAGGAGCTCCAAGGA-3'
Protein context (NP_000080.2, residues 1192-1212): KVYCDFSTGE[Thr1202Asn]CIRAQPENIP